The following is an entry in ClinVar:

ClinVar aggregate classification (germline): Uncertain significance (1 of 4 stars; one submission).

Allele frequency attached by ClinVar (database versions not stated): gnomAD 0.00005; TOPMed 0.00008; ExAC 0.00011.
gnomAD v4.1: 72 of 1,613,152 alleles (0.0045%); highest among the groups gnomAD compares: South Asian, 0.013%; no homozygotes.

Submission:

GeneDx
Classification: Uncertain significance. Last evaluated: 2022-10-04. Review status: criteria provided, single submitter. Criteria: GeneDx Variant Classification Process June 2021. Collection method: clinical testing. Allele origin: germline. Affected: yes.
Comment: In silico analysis supports that this missense variant has a deleterious effect on protein structure/function; Has not been previously published as pathogenic or benign to our knowledge

NM_194302.4(CFAP65):c.2720C>T (p.Ser907Leu)

Gene: CFAP65 (cilia and flagella associated protein 65; minus strand). Cytogenetic location: 2q35.
Variant type: single nucleotide variant.
Coding change: c.2720C>T on transcript NM_194302.4 (MANE Select); coding-DNA position 2720, C replaced by T.
Protein change: p.Ser907Leu; replaces serine 907 with leucine.
Molecular consequence: missense variant.
Genome position (GRCh38, 1-based): chr2:219,023,307, G>A on the plus strand (C>T on the coding strand, the complement: CFAP65 is on the minus strand). VCF-style: chr2-219023307-G-A. GRCh37 (hg19) VCF-style: chr2-219888029-G-A.
Other names: short protein forms S907L.
Identifiers: ClinVar variation 2497792 (VCV002497792.1), dbSNP rs557964711, ClinGen allele CA2115543.
Genomic context (GRCh38, chr2:219,023,307, plus strand): 5'-ACAGCCAGCAGCTTTCGATGCTGCTCAGAGACCCTCCACTCGAACTGCAGGGGCAGACGC[G>A]AGGGGTTGCGGAAGGTGAAGGGGCTGGTGGAGGAGCAGCCCACCCAGGTGGGCTTGAAGT-3'
Protein context (NP_919278.2, residues 897-917): STSPFTFRNP[Ser907Leu]RLPLQFEWRV